The following is an entry in ClinVar:

ClinVar aggregate classification (germline): Uncertain significance. Review status: criteria provided, multiple submitters, no conflicts (2 of 4 stars). 2 submissions from 2 submitters: Uncertain significance (2). Last evaluated 2023-11-18.

Conditions:
Congenital disorder of deglycosylation (CDDG). Identifiers: MedGen C3808991, MONDO:0031376.

Allele frequency attached by ClinVar (database versions not stated): gnomAD exomes below 0.00001; TOPMed 0.00001.
gnomAD v4.1: 4 of 1,613,506 alleles (0.00025%); highest among the groups gnomAD compares: South Asian, 0.0011%; no homozygotes.

Submissions (2):

GeneDx
Classification: Uncertain significance. Last evaluated: 2023-11-18. Review status: criteria provided, single submitter. Criteria: GeneDx Variant Classification Process June 2021. Collection method: clinical testing. Allele origin: germline. Affected: yes.
Comment: Not observed at significant frequency in large population cohorts (gnomAD); In silico analysis supports that this missense variant has a deleterious effect on protein structure/function; Has not been previously published as pathogenic or benign to our knowledge

Labcorp Genetics (formerly Invitae), Labcorp
Classification: Uncertain significance for Congenital disorder of deglycosylation. Last evaluated: 2023-10-03. Review status: criteria provided, single submitter. Criteria: Invitae Variant Classification Sherloc (09022015). Collection method: clinical testing. Allele origin: germline.
Comment: This sequence change replaces arginine, which is basic and polar, with glutamine, which is neutral and polar, at codon 469 of the NGLY1 protein (p.Arg469Gln). This variant is present in population databases (no rsID available, gnomAD 0.003%). This variant has not been reported in the literature in individuals affected with NGLY1-related conditions. Advanced modeling of protein sequence and biophysical properties (such as structural, functional, and spatial information, amino acid conservation, physicochemical variation, residue mobility, and thermodynamic stability) performed at Invitae indicates that this missense variant is expected to disrupt NGLY1 protein function. In summary, the available evidence is currently insufficient to determine the role of this variant in disease. Therefore, it has been classified as a Variant of Uncertain Significance.

NM_018297.4(NGLY1):c.1406G>A (p.Arg469Gln)

Gene: NGLY1 (N-glycanase 1; minus strand). Cytogenetic location: 3p24.2.
Variant type: single nucleotide variant.
Coding change: c.1406G>A on transcript NM_018297.4 (MANE Select); coding-DNA position 1406, G replaced by A.
Protein change: p.Arg469Gln; replaces arginine 469 with glutamine.
Molecular consequence: missense variant.
Genome position (GRCh38, 1-based): chr3:25,732,338, C>T on the plus strand (G>A on the coding strand, the complement: NGLY1 is on the minus strand). VCF-style: chr3-25732338-C-T. GRCh37 (hg19) VCF-style: chr3-25773829-C-T.
Other names: c.1406G>A (NM_018297.3); c.1352G>A, p.Arg451Gln (NM_001145293.2); c.1280G>A, p.Arg427Gln (NM_001145294.2); c.1406G>A, p.Arg469Gln (NM_001145295.2); short protein forms R427Q, R451Q, R469Q.
Identifiers: ClinVar variation 2763919 (VCV002763919.4), dbSNP rs1484390511, ClinGen allele CA351898675.